The following is an entry in ClinVar:

NC_000011.9:g.(?_31822233)_(31823148_?)del

Gene: PAX6 (paired box 6; minus strand). Cytogenetic location: 11p13.
Variant type: Deletion.
Identifiers: ClinVar variation 2422795 (VCV002422795.4).

ClinVar aggregate classification (germline): Pathogenic (1 of 4 stars; one submission).

Conditions:
Irido-corneo-trabecular dysgenesis (ASGD5). Also called: ANTERIOR SEGMENT DYSGENESIS 5. Identifiers: Orphanet 708, MedGen C0344559, MONDO:0011414, OMIM 604229, HP:0000659.
Aniridia 1 (AN1). Identifiers: Orphanet 250923, MedGen C0344542, MONDO:0024507, OMIM 106210.

Submission:

Labcorp Genetics (formerly Invitae), Labcorp
Classification: Pathogenic for Aniridia 1; Irido-corneo-trabecular dysgenesis. Last evaluated: 2022-01-12. Review status: criteria provided, single submitter. Criteria: Invitae Variant Classification Sherloc (09022015). Collection method: clinical testing. Allele origin: germline.
Comment: For these reasons, this variant has been classified as Pathogenic. This variant disrupts a region of the PAX6 protein in which other variant(s) (p.Arg128Pro) have been determined to be pathogenic (PMID: 18332330). This suggests that this is a clinically significant region of the protein, and that variants that disrupt it are likely to be disease-causing. This variant has not been reported in the literature in individuals affected with PAX6-related conditions. This variant results in the deletion of exon 7 and part of exon 6 (c.318_523+6del) of the PAX6 gene. It is expected to disrupt RNA splicing. Variants that disrupt the donor or acceptor splice site typically lead to a loss of protein function (PMID: 16199547), and loss-of-function variants in PAX6 are known to be pathogenic (PMID: 12634864).

Literature cited by the submitters: PubMed 18332330; PubMed 16199547; PubMed 12634864.